The following is an entry in ClinVar:

ClinVar aggregate classification (germline): Uncertain significance (1 of 4 stars; one submission).

Conditions:
Congenital myasthenic syndrome 8. Also called: MYASTHENIC SYNDROME, CONGENITAL, DUE TO AGRIN DEFICIENCY; Myasthenic syndrome, congenital, 8, with pre- and postsynaptic defects. Identifiers: Orphanet 590, MedGen C3808739, MONDO:0014052, OMIM 615120.

Allele frequency attached by ClinVar (database versions not stated): gnomAD 0.00001; gnomAD exomes 0.00001.
gnomAD v4.1: 4 of 1,533,214 alleles (0.00026%); highest among the groups gnomAD compares: Admixed American, 0.0079%; no homozygotes.

Submission:

Labcorp Genetics (formerly Invitae), Labcorp
Classification: Uncertain significance for Congenital myasthenic syndrome 8. Last evaluated: 2022-09-01. Review status: criteria provided, single submitter. Criteria: Invitae Variant Classification Sherloc (09022015). Collection method: clinical testing. Allele origin: germline.
Comment: In summary, the available evidence is currently insufficient to determine the role of this variant in disease. Therefore, it has been classified as a Variant of Uncertain Significance. Algorithms developed to predict the effect of missense changes on protein structure and function output the following: SIFT: "Tolerated"; PolyPhen-2: "Possibly Damaging"; Align-GVGD: "Class C0". The asparagine amino acid residue is found in multiple mammalian species, which suggests that this missense change does not adversely affect protein function. ClinVar contains an entry for this variant (Variation ID: 541156). This variant has not been reported in the literature in individuals affected with AGRN-related conditions. The frequency data for this variant in the population databases is considered unreliable, as metrics indicate poor data quality at this position in the gnomAD database. This sequence change replaces serine, which is neutral and polar, with asparagine, which is neutral and polar, at codon 229 of the AGRN protein (p.Ser229Asn).

NM_198576.4(AGRN):c.686G>A (p.Ser229Asn)

Genes: AGRN (agrin; plus strand), LOC129929077 (ATAC-STARR-seq lymphoblastoid silent region 23; plus strand). Cytogenetic location: 1p36.33.
Variant type: single nucleotide variant.
Coding change: c.686G>A on transcript NM_198576.4 (MANE Select); coding-DNA position 686, G replaced by A.
Protein change: p.Ser229Asn; replaces serine 229 with asparagine.
Molecular consequence: missense variant.
Genome position (GRCh38, 1-based): chr1:1,040,839, G>A. VCF-style: chr1-1040839-G-A. GRCh37 (hg19) VCF-style: chr1-976219-G-A.
Other names: c.686G>A, p.Ser229Asn (NM_001305275.2); c.371G>A, p.Ser124Asn (NM_001364727.2); short protein forms S229N, S124N.
Identifiers: ClinVar variation 541156 (VCV000541156.9), dbSNP rs1284515586, ClinGen allele CA337822854.
Genomic context (GRCh38, chr1:1,040,839, plus strand): 5'-TGTGTGGGTCGGACGCCTCCACCTACAGCAACGAATGCGAGCTGCAGCGGGCGCAGTGCA[G>A]CCAGCAGCGCCGCATCCGCCTGCTCAGCCGCGGGCCGTGCGGTGAGCGGGGCGGGGCCGG-3'
Protein context (NP_940978.2, residues 219-239): NECELQRAQC[Ser229Asn]QQRRIRLLSR